The following is an entry in ClinVar:

ClinVar aggregate classification (germline): Likely pathogenic (1 of 4 stars; one submission).

Submission:

GeneDx
Classification: Likely pathogenic. Last evaluated: 2017-10-12. Review status: criteria provided, single submitter. Criteria: GeneDx Variant Classification (06012015). Collection method: clinical testing. Allele origin: germline. Affected: yes.
Comment: The c.1047+1G>A variant in the UBTF gene has not been reported previously as a pathogenic variant nor as a benign variant, to our knowledge. This splice site variant destroys the canonical splice donor site in intron 10. It is predicted to cause abnormal gene splicing, either leading to an abnormal message that is subject to nonsense-mediated mRNA decay, or to an abnormal protein product if the message is used for protein translation. The c.1047+1G>A variant is not observed in large population cohorts (Lek et al., 2016). We interpret c.1047+1G>A as a likely pathogenic variant.

NM_014233.4(UBTF):c.1047+1G>A

Genes: ATXN7L3-AS1 (ATXN7L3 antisense RNA 1; plus strand), UBTF (upstream binding transcription factor; minus strand). Cytogenetic location: 17q21.31.
Variant type: single nucleotide variant.
Coding change: c.1047+1G>A on transcript NM_014233.4 (MANE Select); the canonical splice donor site of the intron after coding-DNA position 1047, G replaced by A.
Molecular consequence: splice donor variant.
Genome position (GRCh38, 1-based): chr17:44,211,605, C>T on the plus strand (G>A on the coding strand, the complement: UBTF is on the minus strand). VCF-style: chr17-44211605-C-T. GRCh37 (hg19) VCF-style: chr17-42288973-C-T.
Other names: c.936+1G>A (NM_001076684.3, NM_001076683.2).
Identifiers: ClinVar variation 451269 (VCV000451269.2), dbSNP rs1236405535, ClinGen allele CA399762049.